The following is an entry in ClinVar:

ClinVar aggregate classification (germline): Uncertain significance (1 of 4 stars; one submission).

Conditions:
Primary ciliary dyskinesia 6. Also called: Primary Ciliary Dyskinesia 6: TXNDC3-Related Primary Ciliary Dyskinesia. Identifiers: Orphanet 244, MedGen C1970506, MONDO:0012571, OMIM 610852.

gnomAD v4.1: 8 of 1,604,794 alleles (0.0005%); highest among the groups gnomAD compares: South Asian, 0.0088%; no homozygotes.

Submission:

Labcorp Genetics (formerly Invitae), Labcorp
Classification: Uncertain significance for Primary ciliary dyskinesia 6. Last evaluated: 2024-04-20. Review status: criteria provided, single submitter. Criteria: Invitae Variant Classification Sherloc (09022015). Collection method: clinical testing. Allele origin: germline.
Comment: This sequence change replaces alanine, which is neutral and non-polar, with valine, which is neutral and non-polar, at codon 126 of the NME8 protein (p.Ala126Val). This variant is present in population databases (no rsID available, gnomAD 0.003%). This variant has not been reported in the literature in individuals affected with NME8-related conditions. Advanced modeling of protein sequence and biophysical properties (such as structural, functional, and spatial information, amino acid conservation, physicochemical variation, residue mobility, and thermodynamic stability) performed at Invitae indicates that this missense variant is not expected to disrupt NME8 protein function with a negative predictive value of 80%. In summary, the available evidence is currently insufficient to determine the role of this variant in disease. Therefore, it has been classified as a Variant of Uncertain Significance.

NM_016616.5(NME8):c.377C>T (p.Ala126Val)

Gene: NME8 (NME/NM23 family member 8; plus strand). Cytogenetic location: 7p14.1.
Variant type: single nucleotide variant.
Coding change: c.377C>T on transcript NM_016616.5 (MANE Select); coding-DNA position 377, C replaced by T.
Protein change: p.Ala126Val; replaces alanine 126 with valine.
Molecular consequence: missense variant.
Genome position (GRCh38, 1-based): chr7:37,862,134, C>T. VCF-style: chr7-37862134-C-T. GRCh37 (hg19) VCF-style: chr7-37901736-C-T.
Other names: short protein forms A126V.
Identifiers: ClinVar variation 3607921 (VCV003607921.2).